The following is an entry in ClinVar:

NM_000303.3(PMM2):c.485G>A (p.Arg162Gln)

Gene: PMM2 (phosphomannomutase 2; plus strand). Cytogenetic location: 16p13.2.
Variant type: single nucleotide variant.
Coding change: c.485G>A on transcript NM_000303.3 (MANE Select); coding-DNA position 485, G replaced by A.
Protein change: p.Arg162Gln; replaces arginine 162 with glutamine.
Molecular consequence: missense variant.
Genome position (GRCh38, 1-based): chr16:8,811,675, G>A. VCF-style: chr16-8811675-G-A. GRCh37 (hg19) VCF-style: chr16-8905532-G-A.
Other names: short protein forms R162Q.
Identifiers: ClinVar variation 2144694 (VCV002144694.1), dbSNP rs749716985, ClinGen allele CA7894090.

ClinVar aggregate classification (germline): Uncertain significance (1 of 4 stars; one submission).

Conditions:
PMM2-congenital disorder of glycosylation. Also called: JAEKEN SYNDROME; PHOSPHOMANNOMUTASE 2 DEFICIENCY; CARBOHYDRATE-DEFICIENT GLYCOPROTEIN SYNDROME, TYPE Ia; Congenital disorder of glycosylation, type Ia; PMM2-CDG; CDG Ia. Identifiers: Orphanet 79318, MedGen C0349653, MONDO:0008907, OMIM 212065.

Allele frequency attached by ClinVar (database versions not stated): gnomAD 0.00004; TOPMed 0.00004.
gnomAD v4.1: 36 of 1,613,216 alleles (0.0022%); highest among the groups gnomAD compares: Admixed American, 0.005%; no homozygotes.

Submission:

Labcorp Genetics (formerly Invitae), Labcorp
Classification: Uncertain significance for PMM2-congenital disorder of glycosylation. Last evaluated: 2022-02-28. Review status: criteria provided, single submitter. Criteria: Invitae Variant Classification Sherloc (09022015). Collection method: clinical testing. Allele origin: germline.
Comment: This sequence change replaces arginine, which is basic and polar, with glutamine, which is neutral and polar, at codon 162 of the PMM2 protein (p.Arg162Gln). This variant is present in population databases (rs749716985, gnomAD 0.006%). This variant has not been reported in the literature in individuals affected with PMM2-related conditions. Algorithms developed to predict the effect of missense changes on protein structure and function output the following: SIFT: "Tolerated"; PolyPhen-2: "Benign"; Align-GVGD: "Class C0". The glutamine amino acid residue is found in multiple mammalian species, which suggests that this missense change does not adversely affect protein function. This variant disrupts the p.Arg162 amino acid residue in PMM2. Other variant(s) that disrupt this residue have been determined to be pathogenic (PMID: 9140401, 26014514). This suggests that this residue is clinically significant, and that variants that disrupt this residue are likely to be disease-causing. In summary, the available evidence is currently insufficient to determine the role of this variant in disease. Therefore, it has been classified as a Variant of Uncertain Significance.

Literature cited by the submitters: PubMed 9140401; PubMed 26014514.